The following is an entry in ClinVar:

ClinVar aggregate classification (germline): Uncertain significance. Review status: criteria provided, multiple submitters, no conflicts (2 of 4 stars). 7 submissions from 7 submitters: Uncertain significance (6). 1 of the submissions does not count toward it. Last evaluated 2025-12-14.

Conditions:
Hereditary cancer-predisposing syndrome. Also called: Neoplastic Syndromes, Hereditary; Tumor predisposition; Hereditary neoplastic syndrome; Hereditary Cancer Syndrome. Identifiers: Orphanet 140162, MedGen C0027672, MeSH D009386, MONDO:0015356.
Ataxia-telangiectasia syndrome (AT). Also called: Cerebello-oculocutaneous telangiectasia; Immunodeficiency with ataxia telangiectasia; Ataxia-telangiectasia; Ataxia telangiectasia (A-T); LOUIS-BAR SYNDROME; Ataxia-telangiectasia, complementation group D. Identifiers: Orphanet 100, MedGen C0004135, MONDO:0008840, OMIM 208900.

Allele frequency attached by ClinVar (database versions not stated): gnomAD 0.00001; gnomAD exomes 0.00001; ExAC 0.00003.
gnomAD v4.1: 12 of 1,610,870 alleles (0.00074%); highest among the groups gnomAD compares: Non-Finnish European, 0.00051%; no homozygotes.

Submissions (7):

Labcorp Genetics (formerly Invitae), Labcorp
Classification: Uncertain significance for Ataxia-telangiectasia syndrome. Last evaluated: 2025-12-14. Review status: criteria provided, single submitter. Criteria: Invitae Variant Classification Sherloc (09022015). Collection method: clinical testing. Allele origin: germline.
Comment: This sequence change replaces histidine, which is basic and polar, with arginine, which is basic and polar, at codon 605 of the ATM protein (p.His605Arg). This variant is present in population databases (rs771877351, gnomAD 0.01%). This missense change has been observed in individual(s) with breast cancer (PMID: 16914028, 20305132). ClinVar contains an entry for this variant (Variation ID: 246258). Invitae Evidence Modeling of protein sequence and biophysical properties (such as structural, functional, and spatial information, amino acid conservation, physicochemical variation, residue mobility, and thermodynamic stability) indicates that this missense variant is not expected to disrupt ATM protein function with a negative predictive value of 95%. In summary, the available evidence is currently insufficient to determine the role of this variant in disease. Therefore, it has been classified as a Variant of Uncertain Significance.

Center for Genomic Medicine, Rigshospitalet, Copenhagen University Hospital
Classification: Uncertain significance. Last evaluated: 2025-03-04. Review status: criteria provided, single submitter. Criteria: ACMG Guidelines, 2015. Collection method: clinical testing. Allele origin: germline.

GeneDx
Classification: Uncertain significance. Last evaluated: 2023-10-22. Review status: criteria provided, single submitter. Criteria: GeneDx Variant Classification Process June 2021. Collection method: clinical testing. Allele origin: germline. Affected: yes.
Comment: Observed in individuals with breast cancer (Tommiska et al., 2006; Bernstein et al., 2010).; Not observed at significant frequency in large population cohorts (gnomAD); In silico analysis supports that this missense variant does not alter protein structure/function; This variant is associated with the following publications: (PMID: 16914028, 20305132)

Ambry Genetics
Classification: Uncertain significance for Hereditary cancer-predisposing syndrome. Last evaluated: 2022-02-15. Review status: criteria provided, single submitter. Criteria: Ambry Variant Classification Scheme 2023. Collection method: clinical testing. Allele origin: germline.

Color Diagnostics, LLC DBA Color Health
Classification: Uncertain significance for Hereditary cancer-predisposing syndrome. Last evaluated: 2021-10-06. Review status: criteria provided, single submitter. Criteria: ACMG Guidelines, 2015. Collection method: clinical testing. Allele origin: germline.
Comment: This missense variant replaces histidine with arginine at codon 605 of the ATM protein. Computational prediction suggests that this variant may not impact protein structure and function (internally defined REVEL score threshold <= 0.5, PMID: 27666373). To our knowledge, functional studies have not been reported for this variant. This variant has been reported in individuals affected with breast cancer (PMID: 16914028, 20305132). However, in one study, this variant was not found in first- and second-degree relatives affected with breast cancer (PMID: 16914028). This variant has been identified in 4/281872 chromosomes in the general population by the Genome Aggregation Database (gnomAD). The available evidence is insufficient to determine the role of this variant in disease conclusively. Therefore, this variant is classified as a Variant of Uncertain Significance.

Women's Health and Genetics/Laboratory Corporation of America, LabCorp
Classification: Uncertain significance. Last evaluated: 2018-10-22. Review status: criteria provided, single submitter. Criteria: LabCorp Variant Classification Summary - May 2015. Collection method: clinical testing. Allele origin: germline.
Comment: Variant summary: ATM c.1814A>G (p.His605Arg) results in a non-conservative amino acid change in the encoded protein sequence. Four of five in-silico tools predict a benign effect of the variant on protein function. The variant allele was found at a frequency of 1.8e-05 in 276728 control chromosomes (gnomAD). The available data on variant occurrences in the general population are insufficient to allow any conclusion about variant significance. The variant, c.1814A>G, has been reported in the literature in individuals affected with breast cancer (Tommiska_2006, Bernstein_2010), including a family where it did not segregate with disease in 3 other individuals. These data do not allow any conclusion about variant significance. To our knowledge, no experimental evidence demonstrating an impact on protein function has been reported. Two clinical diagnostic laboratories have submitted clinical-significance assessments for this variant to ClinVar after 2014 without evidence for independent evaluation and classified the variant as uncertain significance. Based on the evidence outlined above, the variant was classified as uncertain significance.

Natera, Inc.
Classification: Uncertain significance for Ataxia-telangiectasia. Last evaluated: 2021-09-28. Review status: no assertion criteria provided. Collection method: clinical testing. Allele origin: germline. Not counted in ClinVar's aggregate classification.

Literature cited by the submitters: PubMed 16914028 (cited by 4 submitters); PubMed 20305132 (cited by 4 submitters).

NM_000051.4(ATM):c.1814A>G (p.His605Arg)

Gene: ATM (ATM serine/threonine kinase; plus strand). Cytogenetic location: 11q22.3.
Variant type: single nucleotide variant.
Coding change: c.1814A>G on transcript NM_000051.4 (MANE Select); coding-DNA position 1814, A replaced by G.
Protein change: p.His605Arg; replaces histidine 605 with arginine.
Molecular consequence: missense variant.
Genome position (GRCh38, 1-based): chr11:108,252,828, A>G. VCF-style: chr11-108252828-A-G. GRCh37 (hg19) VCF-style: chr11-108123555-A-G.
Other names: c.1814A>G, p.His605Arg (NM_001351834.2); short protein forms H605R.
Identifiers: ClinVar variation 246258 (VCV000246258.24), dbSNP rs771877351, ClinGen allele CA6264883.